The following is an entry in ClinVar:

ClinVar aggregate classification (germline): Uncertain significance (1 of 4 stars; one submission).

Conditions:
Hereditary cancer-predisposing syndrome. Also called: Tumor predisposition; Hereditary neoplastic syndrome; Hereditary Cancer Syndrome; Neoplastic Syndromes, Hereditary. Identifiers: Orphanet 140162, MedGen C0027672, MeSH D009386, MONDO:0015356.

gnomAD v4.1: 1 of 1,613,004 alleles (0.000062%); highest among the groups gnomAD compares: Non-Finnish European, 0.000085%; no homozygotes.

Submission:

Ambry Genetics
Classification: Uncertain significance for Hereditary cancer-predisposing syndrome. Last evaluated: 2025-06-02. Review status: criteria provided, single submitter. Criteria: Ambry Variant Classification Scheme 2023. Collection method: clinical testing. Allele origin: germline.
Comment: The p.G1329E variant (also known as c.3986G>A), located in coding exon 23 of the PTCH1 gene, results from a G to A substitution at nucleotide position 3986. The glycine at codon 1329 is replaced by glutamic acid, an amino acid with similar properties. This amino acid position is conserved. In addition, the in silico prediction for this alteration is inconclusive. Based on the available evidence, the clinical significance of this variant remains unclear.

NM_000264.5(PTCH1):c.3986G>A (p.Gly1329Glu)

Gene: PTCH1 (patched 1; minus strand). Cytogenetic location: 9q22.32.
Variant type: single nucleotide variant.
Coding change: c.3986G>A on transcript NM_000264.5 (MANE Select); coding-DNA position 3986, G replaced by A.
Protein change: p.Gly1329Glu; replaces glycine 1329 with glutamic acid.
Molecular consequence: missense variant. On other transcripts: non-coding transcript variant (1).
Genome position (GRCh38, 1-based): chr9:95,447,270, C>T on the plus strand (G>A on the coding strand, the complement: PTCH1 is on the minus strand). VCF-style: chr9-95447270-C-T. GRCh37 (hg19) VCF-style: chr9-98209552-C-T.
Other names: c.3788G>A, p.Gly1263Glu (NM_001083602.3); c.3983G>A, p.Gly1328Glu (NM_001083603.3); c.3533G>A, p.Gly1178Glu (NM_001083604.3, NM_001083605.3, NM_001083606.3 and 1 more transcripts); c.3830G>A, p.Gly1277Glu (NM_001354918.2); short protein forms G1178E, G1277E, G1328E, G1263E, G1329E.
Identifiers: ClinVar variation 3939910 (VCV003939910.1).
Genomic context (GRCh38, chr9:95,447,270, plus strand): 5'-GGGTTGTGAGAACGGGCCCCGCGAGGGCCCCAGCGGGCCCTATTGCTAGGGCCAGAATGC[C>T]CTTCAGTAGAAATTTCAAAAGCGTCTCTGCGCGGTCTGTAGGGGGGTGGCCACAAGCCTT-3'
Protein context (NP_000255.2, residues 1319-1339): RRDAFEISTE[Gly1329Glu]HSGPSNRARW